The following is an entry in ClinVar:

ClinVar aggregate classification (germline): Uncertain significance. Review status: criteria provided, multiple submitters, no conflicts (2 of 4 stars). 5 submissions from 5 submitters: Uncertain significance (5). Last evaluated 2026-05-14.

Conditions:
HK1-related disorder. Also called: HK1-related condition; HK1-related disorders.
Inborn genetic diseases. Identifiers: MedGen C0950123, MeSH D030342.

Allele frequency attached by ClinVar (database versions not stated): ExAC 0.00001.
gnomAD v4.1: 11 of 1,614,070 alleles (0.00068%); highest among the groups gnomAD compares: Admixed American, 0.005%; no homozygotes.

Submissions (5):

Ambry Genetics
Classification: Uncertain significance for Inborn genetic diseases. Last evaluated: 2026-05-14. Review status: criteria provided, single submitter. Criteria: Ambry Variant Classification Scheme 2023. Collection method: clinical testing. Allele origin: germline.

PreventionGenetics, part of Exact Sciences
Classification: Uncertain significance for HK1-related condition. Last evaluated: 2026-03-13. Review status: criteria provided, single submitter. Criteria: ACMG Guidelines, 2015. Collection method: clinical testing. Allele origin: germline.
Comment: The HK1 c.2506G>A variant is predicted to result in the amino acid substitution p.Ala836Thr. To our knowledge, this variant has not been reported in the literature. This variant is reported in 0.0029% of alleles in individuals of Latino descent in gnomAD. At this time, the clinical significance of this variant is uncertain due to the absence of conclusive functional and genetic evidence.

Labcorp Genetics (formerly Invitae), Labcorp
Classification: Uncertain significance. Last evaluated: 2025-12-08. Review status: criteria provided, single submitter. Criteria: Invitae Variant Classification Sherloc (09022015). Collection method: clinical testing. Allele origin: germline.
Comment: This sequence change replaces alanine, which is neutral and non-polar, with threonine, which is neutral and polar, at codon 836 of the HK1 protein (p.Ala836Thr). This variant is present in population databases (rs773615425, gnomAD 0.003%). This variant has not been reported in the literature in individuals affected with HK1-related conditions. ClinVar contains an entry for this variant (Variation ID: 1335039). Invitae Evidence Modeling of protein sequence and biophysical properties (such as structural, functional, and spatial information, amino acid conservation, physicochemical variation, residue mobility, and thermodynamic stability) indicates that this missense variant is not expected to disrupt HK1 protein function with a negative predictive value of 80%. In summary, the available evidence is currently insufficient to determine the role of this variant in disease. Therefore, it has been classified as a Variant of Uncertain Significance.

Revvity Omics, Revvity
Classification: Uncertain significance. Last evaluated: 2022-08-17. Review status: criteria provided, single submitter. Criteria: ACMG Guidelines, 2015. Collection method: clinical testing. Allele origin: germline.

CeGaT Center for Human Genetics Tuebingen
Classification: Uncertain significance. Last evaluated: 2021-10-01. Review status: criteria provided, single submitter. Criteria: CeGaT Center For Human Genetics Tuebingen Variant Classification Criteria Version 2. Collection method: clinical testing. Allele origin: germline. Affected: yes. Observed: 1 variant allele.

NM_000188.3(HK1):c.2506G>A (p.Ala836Thr)

Gene: HK1 (hexokinase 1; plus strand). Cytogenetic location: 10q22.1.
Variant type: single nucleotide variant.
Coding change: c.2506G>A on transcript NM_000188.3 (MANE Select); coding-DNA position 2506, G replaced by A.
Protein change: p.Ala836Thr; replaces alanine 836 with threonine.
Molecular consequence: missense variant.
Genome position (GRCh38, 1-based): chr10:69,398,725, G>A. VCF-style: chr10-69398725-G-A. GRCh37 (hg19) VCF-style: chr10-71158481-G-A.
Other names: c.2518G>A, p.Ala840Thr (NM_001322364.2, NM_001358263.1, NM_033497.3 and 1 more transcripts); c.2611G>A, p.Ala871Thr (NM_001322365.2); c.2422G>A, p.Ala808Thr (NM_001322366.1); c.2410G>A, p.Ala804Thr (NM_001322367.1); c.2503G>A, p.Ala835Thr (NM_033496.3); c.2506G>A (NM_000188.2); c.2470G>A, p.Ala824Thr (NM_033500.2); short protein forms A804T, A808T, A824T, A835T, A836T, A840T, A871T.
Identifiers: ClinVar variation 1335039 (VCV001335039.46), dbSNP rs773615425, ClinGen allele CA5532867.